The following is an entry in ClinVar:

ClinVar aggregate classification (germline): Uncertain significance. Review status: criteria provided, multiple submitters, no conflicts (2 of 4 stars). 2 submissions from 2 submitters: Uncertain significance (2). Last evaluated 2024-04-09.

Conditions:
Severe combined immunodeficiency due to DNA-PKcs deficiency. Also called: IMMUNODEFICIENCY 26 WITH NEUROLOGIC ABNORMALITIES; Immunodeficiency 26 with or without neurologic abnormalities. Identifiers: Orphanet 317425, MedGen C4014833, MONDO:0014423, OMIM 615966.

Allele frequency attached by ClinVar (database versions not stated): gnomAD 0.00001; gnomAD exomes 0.00001; TOPMed 0.00001; ExAC 0.00003.
gnomAD v4.1: 11 of 1,539,950 alleles (0.00071%); highest among the groups gnomAD compares: Non-Finnish European, 0.00096%; no homozygotes.

Submissions (2):

Ambry Genetics
Classification: Uncertain significance. Last evaluated: 2024-04-09. Review status: criteria provided, single submitter. Criteria: Ambry Variant Classification Scheme 2023. Collection method: clinical testing. Allele origin: germline.

Labcorp Genetics (formerly Invitae), Labcorp
Classification: Uncertain significance for Severe combined immunodeficiency due to DNA-PKcs deficiency. Last evaluated: 2021-11-22. Review status: criteria provided, single submitter. Criteria: Invitae Variant Classification Sherloc (09022015). Collection method: clinical testing. Allele origin: germline.
Comment: In summary, the available evidence is currently insufficient to determine the role of this variant in disease. Therefore, it has been classified as a Variant of Uncertain Significance. Experimental studies and prediction algorithms are not available or were not evaluated, and the functional significance of this variant is currently unknown. This variant has not been reported in the literature in individuals affected with PRKDC-related conditions. This variant is present in population databases (rs759295562, gnomAD 0.001%). This sequence change replaces phenylalanine, which is neutral and non-polar, with leucine, which is neutral and non-polar, at codon 550 of the PRKDC protein (p.Phe550Leu).

NM_006904.7(PRKDC):c.1648T>C (p.Phe550Leu)

Gene: PRKDC (protein kinase, DNA-activated, catalytic subunit; minus strand). Cytogenetic location: 8q11.21.
Variant type: single nucleotide variant.
Coding change: c.1648T>C on transcript NM_006904.7 (MANE Select); coding-DNA position 1648, T replaced by C.
Protein change: p.Phe550Leu; replaces phenylalanine 550 with leucine.
Molecular consequence: missense variant.
Genome position (GRCh38, 1-based): chr8:47,933,148, A>G on the plus strand (T>C on the coding strand, the complement: PRKDC is on the minus strand). VCF-style: chr8-47933148-A-G. GRCh37 (hg19) VCF-style: chr8-48845708-A-G.
Other names: c.1648T>C (NM_006904.6); c.1648T>C, p.Phe550Leu (NM_001081640.2); short protein forms F550L.
Identifiers: ClinVar variation 1444934 (VCV001444934.7), dbSNP rs759295562, ClinGen allele CA4741667.